The following is an entry in ClinVar:

NM_181486.4(TBX5):c.736A>G (p.Arg246Gly)

Gene: TBX5 (T-box transcription factor 5; minus strand). Cytogenetic location: 12q24.21.
Variant type: single nucleotide variant.
Coding change: c.736A>G on transcript NM_181486.4 (MANE Select); coding-DNA position 736, A replaced by G.
Protein change: p.Arg246Gly; replaces arginine 246 with glycine.
Molecular consequence: missense variant.
Genome position (GRCh38, 1-based): chr12:114,385,495, T>C on the plus strand (A>G on the coding strand, the complement: TBX5 is on the minus strand). VCF-style: chr12-114385495-T-C. GRCh37 (hg19) VCF-style: chr12-114823300-T-C.
Other names: c.736A>G, p.Arg246Gly (NM_000192.3); c.586A>G, p.Arg196Gly (NM_080717.4); short protein forms R196G, R246G.
Identifiers: ClinVar variation 1897523 (VCV001897523.6), dbSNP rs374600913, ClinGen allele CA6809522.

ClinVar aggregate classification (germline): Conflicting classifications of pathogenicity. Review status: criteria provided, conflicting classifications (1 of 4 stars). 2 submissions from 2 submitters: Uncertain significance (1); Likely benign (1). Last evaluated 2026-08-18.

Conditions:
Cardiovascular phenotype. Identifiers: MedGen CN230736.
Aortic valve disease 2 (AOVD2). Identifiers: MedGen C3542024, MONDO:0013902, OMIM 614823.

gnomAD v4.1: 9 of 1,614,210 alleles (0.00056%); highest among the groups gnomAD compares: Non-Finnish European, 0.00076%; no homozygotes.

Submissions (2):

Ambry Genetics
Classification: Uncertain significance for Cardiovascular phenotype. Last evaluated: 2026-08-18. Review status: criteria provided, single submitter. Criteria: Ambry Variant Classification Scheme 2023. Collection method: clinical testing. Allele origin: germline.
Comment: The p.R246G variant (also known as c.736A>G), located in coding exon 6 of the TBX5 gene, results from an A to G substitution at nucleotide position 736. The arginine at codon 246 is replaced by glycine, an amino acid with dissimilar properties. This amino acid position is highly conserved in available vertebrate species. In addition, this alteration is predicted to be deleterious by in silico analysis. Based on the available evidence, the clinical significance of this variant remains unclear.

Labcorp Genetics (formerly Invitae), Labcorp
Classification: Likely benign for Aortic valve disease 2. Last evaluated: 2025-06-24. Review status: criteria provided, single submitter. Criteria: Invitae Variant Classification Sherloc (09022015). Collection method: clinical testing. Allele origin: germline.